The following is an entry in ClinVar:

NM_001367624.2(ZNF469):c.7501G>C (p.Ala2501Pro)

Gene: ZNF469 (zinc finger protein 469; plus strand). Cytogenetic location: 16q24.2.
Variant type: single nucleotide variant.
Coding change: c.7501G>C on transcript NM_001367624.2 (MANE Select); coding-DNA position 7501, G replaced by C.
Protein change: p.Ala2501Pro; replaces alanine 2501 with proline.
Molecular consequence: missense variant.
Genome position (GRCh38, 1-based): chr16:88,434,971, G>C. VCF-style: chr16-88434971-G-C. GRCh37 (hg19) VCF-style: chr16-88501379-G-C.
Other names: NM_001127464.1:c.7417G>C; short protein forms A2501P.
Identifiers: ClinVar variation 1758808 (VCV001758808.2), dbSNP rs1465409403, ClinGen allele CA397112813.

ClinVar aggregate classification (germline): Uncertain significance (1 of 4 stars; one submission).

Conditions:
Cardiovascular phenotype. Identifiers: MedGen CN230736.

gnomAD v4.1: 1 of 1,549,960 alleles (0.000065%); highest among the groups gnomAD compares: African/African-American, 0.0014%; no homozygotes.

Submission:

Ambry Genetics
Classification: Uncertain significance for Cardiovascular phenotype. Last evaluated: 2022-04-03. Review status: criteria provided, single submitter. Criteria: Ambry Variant Classification Scheme 2023. Collection method: clinical testing. Allele origin: germline.
Comment: The p.A2473P variant (also known as c.7417G>C), located in coding exon 2 of the ZNF469 gene, results from a G to C substitution at nucleotide position 7417. The alanine at codon 2473 is replaced by proline, an amino acid with highly similar properties. This amino acid position is conserved. In addition, this alteration is predicted to be tolerated by in silico analysis. Since supporting evidence is limited at this time, the clinical significance of this alteration remains unclear.